The following is an entry in ClinVar:

ClinVar aggregate classification (germline): Uncertain significance (1 of 4 stars; one submission).

Conditions:
Bloom syndrome (BLM). Also called: Bloom-Torre-Machacek syndrome. Identifiers: Orphanet 125, MedGen C0005859, MONDO:0008876, OMIM 210900.

Submission:

MVZ Medizinische Genetik Mainz
Classification: Uncertain significance for Bloom syndrome. Last evaluated: 2024-10-24. Review status: criteria provided, single submitter. Criteria: UK Practice Guidelines For Variant Classification V4 01 2020. Collection method: clinical testing. Allele origin: germline. Inheritance: Autosomal recessive inheritance. Affected: yes. Observed: 1 variant allele.
Comment: ACMG Criteria: PVS1_MOD,PM2_SUP_MOD

NM_000057.4(BLM):c.3921del (p.Gly1308fs)

Gene: BLM (BLM RecQ like helicase; plus strand). Cytogenetic location: 15q26.1.
Variant type: Deletion.
Coding change: c.3921del on transcript NM_000057.4 (MANE Select); coding-DNA position 3921, one base deleted (C; older notation c.3921delC).
Protein change: p.Gly1308fs; shifts the reading frame from glycine 1308.
Molecular consequence: frameshift variant.
Genome position (GRCh38, 1-based): chr15:90,811,251, C deleted; the last of 4 consecutive C bases (chr15:90,811,248-90,811,251); deleting any one gives the same sequence. VCF-style (leftmost placement, unchanged base first): chr15-90811247-GC-G. GRCh37 (hg19) VCF-style: chr15-91354477-GC-G.
Other names: c.3921del, p.Gly1308fs (NM_001287246.2); c.3528del, p.Gly1177fs (NM_001287247.2); c.2796del, p.Gly933fs (NM_001287248.2); short protein forms G1177fs, G1308fs, G933fs.
Identifiers: ClinVar variation 3392564 (VCV003392564.1).